The following is an entry in ClinVar:

NM_000082.4(ERCC8):c.973G>A (p.Glu325Lys)

Gene: ERCC8 (ERCC excision repair 8, CSA ubiquitin ligase complex subunit; minus strand). Cytogenetic location: 5q12.1.
Variant type: single nucleotide variant.
Coding change: c.973G>A on transcript NM_000082.4 (MANE Select); coding-DNA position 973, G replaced by A.
Protein change: p.Glu325Lys; replaces glutamic acid 325 with lysine.
Molecular consequence: missense variant.
Genome position (GRCh38, 1-based): chr5:60,890,957, C>T on the plus strand (G>A on the coding strand, the complement: ERCC8 is on the minus strand). VCF-style: chr5-60890957-C-T. GRCh37 (hg19) VCF-style: chr5-60186784-C-T.
Other names: c.799G>A, p.Glu267Lys (NM_001007233.3); c.514G>A, p.Glu172Lys (NM_001290285.2); c.973G>A (NM_000082.3); short protein forms E325K, E172K, E267K.
Identifiers: ClinVar variation 1345223 (VCV001345223.6), dbSNP rs1029101745, ClinGen allele CA118842716.

ClinVar aggregate classification (germline): Uncertain significance. Review status: criteria provided, multiple submitters, no conflicts (2 of 4 stars). 2 submissions from 2 submitters: Uncertain significance (2). Last evaluated 2025-04-03.

Conditions:
Inborn genetic diseases. Identifiers: MedGen C0950123, MeSH D030342.

Allele frequency attached by ClinVar (database versions not stated): gnomAD exomes below 0.00001 and 0.00001; TOPMed 0.00007; gnomAD 0.00005.
gnomAD v4.1: 12 of 1,613,416 alleles (0.00074%); highest among the groups gnomAD compares: African/African-American, 0.015%; no homozygotes.

Submissions (2):

Ambry Genetics
Classification: Uncertain significance for Inborn genetic diseases. Last evaluated: 2025-04-03. Review status: criteria provided, single submitter. Criteria: Ambry Variant Classification Scheme 2023. Collection method: clinical testing. Allele origin: germline.

Labcorp Genetics (formerly Invitae), Labcorp
Classification: Uncertain significance. Last evaluated: 2021-08-30. Review status: criteria provided, single submitter. Criteria: Invitae Variant Classification Sherloc (09022015). Collection method: clinical testing. Allele origin: germline.
Comment: This sequence change replaces glutamic acid with lysine at codon 325 of the ERCC8 protein (p.Glu325Lys). The glutamic acid residue is moderately conserved and there is a small physicochemical difference between glutamic acid and lysine. This variant is not present in population databases (ExAC no frequency). This variant has not been reported in the literature in individuals affected with ERCC8-related conditions. Algorithms developed to predict the effect of missense changes on protein structure and function (SIFT, PolyPhen-2, Align-GVGD) all suggest that this variant is likely to be tolerated. In summary, the available evidence is currently insufficient to determine the role of this variant in disease. Therefore, it has been classified as a Variant of Uncertain Significance.